The following is an entry in ClinVar:

ClinVar aggregate classification (germline): Likely benign (1 of 4 stars; one submission).

Submission:

GeneDx
Classification: Likely benign. Last evaluated: 2024-01-31. Review status: criteria provided, single submitter. Criteria: GeneDx Variant Classification Process June 2021. Collection method: clinical testing. Allele origin: germline. Affected: yes.
Comment: See Variant Classification Assertion Criteria.

NM_030632.3(ASXL3):c.2902G>A (p.Glu968Lys)

Gene: ASXL3 (ASXL transcriptional regulator 3; plus strand). Cytogenetic location: 18q12.1.
Variant type: single nucleotide variant.
Coding change: c.2902G>A on transcript NM_030632.3 (MANE Select); coding-DNA position 2902, G replaced by A.
Protein change: p.Glu968Lys; replaces glutamic acid 968 with lysine.
Molecular consequence: missense variant.
Genome position (GRCh38, 1-based): chr18:33,740,306, G>A. VCF-style: chr18-33740306-G-A. GRCh37 (hg19) VCF-style: chr18-31320270-G-A.
Other names: short protein forms E968K.
Identifiers: ClinVar variation 2574301 (VCV002574301.2), dbSNP rs2510920972, ClinGen allele CA402181752.